The following is an entry in ClinVar:

NM_020166.5(MCCC1):c.1977+4dup

Gene: MCCC1 (methylcrotonyl-CoA carboxylase subunit 1; minus strand). Cytogenetic location: 3q27.1.
Variant type: Duplication.
Coding change: c.1977+4dup on transcript NM_020166.5 (MANE Select); 4 bases into the intron after coding-DNA position 1977, one base duplicated (A; older notation c.1977+4dupA).
Molecular consequence: intron variant.
Genome position (GRCh38, 1-based): chr3:183,020,126, T duplicated on the plus strand (A on the coding strand, the reverse complement: MCCC1 is on the minus strand); the first of 2 consecutive T bases (chr3:183,020,126-183,020,127); duplicating either gives the same sequence. VCF-style (leftmost placement, unchanged base first): chr3-183020125-A-AT. GRCh37 (hg19) VCF-style: chr3-182737913-A-AT.
Other names: c.1650+4dup (NM_001363880.1); c.1626+4dup (NM_001293273.2).
Identifiers: ClinVar variation 1354670 (VCV001354670.6), dbSNP rs1488259395, ClinGen allele CA548354547.

ClinVar aggregate classification (germline): Uncertain significance (1 of 4 stars; one submission).

Conditions:
3-methylcrotonyl-CoA carboxylase 1 deficiency (MCC1D). Also called: MCCD TYPE 1; METHYLCROTONYLGLYCINURIA TYPE I; MCC 1 deficiency; 3 Alpha methylcrotonylglycinuria 1. Identifiers: Orphanet 6, MedGen CN028786, MONDO:0008861, OMIM 210200.

Submission:

Labcorp Genetics (formerly Invitae), Labcorp
Classification: Uncertain significance for 3-methylcrotonyl-CoA carboxylase 1 deficiency. Last evaluated: 2022-11-22. Review status: criteria provided, single submitter. Criteria: Invitae Variant Classification Sherloc (09022015). Collection method: clinical testing. Allele origin: germline.
Comment: ClinVar contains an entry for this variant (Variation ID: 1354670). In summary, the available evidence is currently insufficient to determine the role of this variant in disease. Therefore, it has been classified as a Variant of Uncertain Significance. Variants that disrupt the consensus splice site are a relatively common cause of aberrant splicing (PMID: 17576681, 9536098). Algorithms developed to predict the effect of sequence changes on RNA splicing suggest that this variant is not likely to affect RNA splicing. This variant has been observed in individual(s) with features of 3MCC deficiency (Invitae). This variant is present in population databases (no rsID available, gnomAD 0.01%). This sequence change falls in intron 17 of the MCCC1 gene. It does not directly change the encoded amino acid sequence of the MCCC1 protein. It affects a nucleotide within the consensus splice site.

Literature cited by the submitters: PubMed 17576681; PubMed 9536098.